The following is an entry in ClinVar:

ClinVar aggregate classification (germline): Uncertain significance (1 of 4 stars; one submission).

Conditions:
Hereditary pancreatitis (PCTT). Also called: PRSS1-Related Hereditary Pancreatitis; Hereditary chronic pancreatitis. Identifiers: Orphanet 676, MedGen C0238339, MONDO:0008185, OMIM 167800.

Submission:

Ambry Genetics
Classification: Uncertain significance for Hereditary pancreatitis. Last evaluated: 2024-12-29. Review status: criteria provided, single submitter. Criteria: Ambry Variant Classification Scheme 2023. Collection method: clinical testing. Allele origin: germline.
Comment: The p.P42A variant (also known as c.124C>G), located in coding exon 2 of the CTRC gene, results from a C to G substitution at nucleotide position 124. The proline at codon 42 is replaced by alanine, an amino acid with highly similar properties. This amino acid position is conserved. In addition, this alteration is predicted to be deleterious by in silico analysis. Based on the available evidence, the clinical significance of this variant remains unclear.

NM_007272.3(CTRC):c.124C>G (p.Pro42Ala)

Gene: CTRC (chymotrypsin C; plus strand). Cytogenetic location: 1p36.21.
Variant type: single nucleotide variant.
Coding change: c.124C>G on transcript NM_007272.3 (MANE Select); coding-DNA position 124, C replaced by G.
Protein change: p.Pro42Ala; replaces proline 42 with alanine.
Molecular consequence: missense variant.
Genome position (GRCh38, 1-based): chr1:15,440,383, C>G. VCF-style: chr1-15440383-C-G. GRCh37 (hg19) VCF-style: chr1-15766879-C-G.
Other names: short protein forms P42A.
Identifiers: ClinVar variation 3837280 (VCV003837280.1).